The following is an entry in ClinVar:

ClinVar aggregate classification (germline): Uncertain significance. Review status: criteria provided, multiple submitters, no conflicts (2 of 4 stars). 4 submissions from 3 submitters: Uncertain significance (4). Last evaluated 2024-07-30.

Conditions:
Cranium bifidum occultum. Also called: CATLIN MARKS; CRANIUM BIFIDUM, HEREDITARY; Enlarged Parietal Foramina. Identifiers: MedGen C1868598, HP:0004423.
Inborn genetic diseases. Identifiers: MedGen C0950123, MeSH D030342.
Craniosynostosis 2 (CRS2). Also called: Warman-Mulliken-Hayward syndrome; Craniosynostosis Warman type; Craniosynostosis Boston type. Identifiers: Orphanet 1541, MedGen C1858160, MONDO:0011481, OMIM 604757.
Parietal foramina 1 (PFM1). Also called: FORAMINA PARIETALIA PERMAGNA; PARIETAL FORAMINA, SYMMETRIC. Identifiers: Orphanet 60015, MedGen C1868599, MONDO:0008197, OMIM 168500.

Allele frequency attached by ClinVar (database versions not stated): ExAC 0.00001; TOPMed 0.00004; gnomAD exomes 0.00001; gnomAD 0.00003.
gnomAD v4.1: 16 of 1,613,616 alleles (0.00099%); highest among the groups gnomAD compares: Admixed American, 0.005%; no homozygotes.

Submissions (4):

Labcorp Genetics (formerly Invitae), Labcorp
Classification: Uncertain significance for Cranium bifidum occultum. Last evaluated: 2024-07-30. Review status: criteria provided, single submitter. Criteria: Invitae Variant Classification Sherloc (09022015). Collection method: clinical testing. Allele origin: germline.
Comment: This sequence change replaces proline, which is neutral and non-polar, with serine, which is neutral and polar, at codon 251 of the MSX2 protein (p.Pro251Ser). This variant is present in population databases (rs776218196, gnomAD 0.003%). This variant has not been reported in the literature in individuals affected with MSX2-related conditions. ClinVar contains an entry for this variant (Variation ID: 907440). An algorithm developed to predict the effect of missense changes on protein structure and function (PolyPhen-2) suggests that this variant is likely to be disruptive. In summary, the available evidence is currently insufficient to determine the role of this variant in disease. Therefore, it has been classified as a Variant of Uncertain Significance.

Ambry Genetics
Classification: Uncertain significance for Inborn genetic diseases. Last evaluated: 2024-03-15. Review status: criteria provided, single submitter. Criteria: Ambry Variant Classification Scheme 2023. Collection method: clinical testing. Allele origin: germline.

Illumina Laboratory Services, Illumina
Classification: Uncertain significance for Parietal foramina 1. Last evaluated: 2018-01-13. Review status: criteria provided, single submitter. Criteria: ICSL Variant Classification Criteria 13 December 2019. Collection method: clinical testing. Allele origin: germline.

Illumina Laboratory Services, Illumina
Classification: Uncertain significance for Craniosynostosis 2. Last evaluated: 2018-01-13. Review status: criteria provided, single submitter. Criteria: ICSL Variant Classification Criteria 13 December 2019. Collection method: clinical testing. Allele origin: germline.

NM_002449.5(MSX2):c.751C>T (p.Pro251Ser)

Gene: MSX2 (msh homeobox 2; plus strand). Cytogenetic location: 5q35.2.
Variant type: single nucleotide variant.
Coding change: c.751C>T on transcript NM_002449.5 (MANE Select); coding-DNA position 751, C replaced by T.
Protein change: p.Pro251Ser; replaces proline 251 with serine.
Molecular consequence: missense variant. On other transcripts: 3 prime UTR variant (1).
Genome position (GRCh38, 1-based): chr5:174,729,530, C>T. VCF-style: chr5-174729530-C-T. GRCh37 (hg19) VCF-style: chr5-174156533-C-T.
Other names: c.*375C>T (NM_001363626.2); short protein forms P251S.
Identifiers: ClinVar variation 907440 (VCV000907440.9), dbSNP rs776218196, ClinGen allele CA3565258.